The following is an entry in ClinVar:

NM_000400.4(ERCC2):c.1429A>T (p.Thr477Ser)

Gene: ERCC2 (ERCC excision repair 2, TFIIH core complex helicase subunit; minus strand). Cytogenetic location: 19q13.32.
Variant type: single nucleotide variant.
Coding change: c.1429A>T on transcript NM_000400.4 (MANE Select); coding-DNA position 1429, A replaced by T.
Protein change: p.Thr477Ser; replaces threonine 477 with serine.
Molecular consequence: missense variant.
Genome position (GRCh38, 1-based): chr19:45,357,320, T>A on the plus strand (A>T on the coding strand, the complement: ERCC2 is on the minus strand). VCF-style: chr19-45357320-T-A. GRCh37 (hg19) VCF-style: chr19-45860578-T-A.
Other names: short protein forms T477S.
Identifiers: ClinVar variation 3509818 (VCV003509818.1).
Genomic context (GRCh38, chr19:45,357,320, plus strand): 5'-TCCCACTCACCATAGGGCAGAGGCAGACCCGTGCCAGCGTCATGGTGAAGGTTGCCATGG[T>A]GACGGGGTGGAAGTCCAGGATCTTGGGGTAGATGTCCAGCGGGGACAGTGTCTGTGGCGG-3'
Protein context (NP_000391.1, residues 467-487): YPKILDFHPV[Thr477Ser]MATFTMTLAR

ClinVar aggregate classification (germline): Uncertain significance (1 of 4 stars; one submission).

Conditions:
Inborn genetic diseases. Identifiers: MedGen C0950123, MeSH D030342.

Submission:

Ambry Genetics
Classification: Uncertain significance for Inborn genetic diseases. Last evaluated: 2024-11-11. Review status: criteria provided, single submitter. Criteria: Ambry Variant Classification Scheme 2023. Collection method: clinical testing. Allele origin: germline.
Comment: The p.T477S variant (also known as c.1429A>T), located in coding exon 15 of the ERCC2 gene, results from an A to T substitution at nucleotide position 1429. The threonine at codon 477 is replaced by serine, an amino acid with similar properties. This amino acid position is conserved. In addition, the in silico prediction for this alteration is inconclusive. Based on the available evidence, the clinical significance of this variant remains unclear.